The following is an entry in ClinVar:

ClinVar aggregate classification (germline): Conflicting classifications of pathogenicity. Review status: criteria provided, conflicting classifications (1 of 4 stars). 3 submissions from 3 submitters: Likely pathogenic (1); Uncertain significance (2). Last evaluated 2022-08-10.

Allele frequency attached by ClinVar (database versions not stated): gnomAD exomes 0.00001; ExAC 0.00001; gnomAD 0.00001; TOPMed 0.00002.
gnomAD v4.1: 16 of 1,614,032 alleles (0.00099%); highest among the groups gnomAD compares: Admixed American, 0.0033%; no homozygotes.

Submissions (3):

Labcorp Genetics (formerly Invitae), Labcorp
Classification: Uncertain significance. Last evaluated: 2022-08-10. Review status: criteria provided, single submitter. Criteria: Invitae Variant Classification Sherloc (09022015). Collection method: clinical testing. Allele origin: germline.
Comment: This sequence change replaces asparagine, which is neutral and polar, with serine, which is neutral and polar, at codon 259 of the GFM1 protein (p.Asn259Ser). This variant is present in population databases (rs375512235, gnomAD 0.006%). This variant has not been reported in the literature in individuals affected with GFM1-related conditions. ClinVar contains an entry for this variant (Variation ID: 427199). Algorithms developed to predict the effect of missense changes on protein structure and function are either unavailable or do not agree on the potential impact of this missense change (SIFT: "Deleterious"; PolyPhen-2: "Probably Damaging"; Align-GVGD: "Class C15"). Algorithms developed to predict the effect of sequence changes on RNA splicing suggest that this variant may create or strengthen a splice site. In summary, the available evidence is currently insufficient to determine the role of this variant in disease. Therefore, it has been classified as a Variant of Uncertain Significance.

Mayo Clinic Laboratories, Mayo Clinic
Classification: Uncertain significance. Last evaluated: 2020-06-08. Review status: criteria provided, single submitter. Criteria: ACMG Guidelines, 2015. Collection method: clinical testing. Allele origin: germline. Observed: 1 variant allele.

GeneDx
Classification: Likely pathogenic. Last evaluated: 2015-04-13. Review status: criteria provided, single submitter. Criteria: GeneDx Variant Classification (06012015). Collection method: clinical testing. Allele origin: germline. Affected: yes.
Comment: The N259S (c.776 A>G) has not been published as a pathogenic variant, nor has it been reported as a benign polymorphism to our knowledge. The N259S variant is a conservative amino acid substitution, which is not likely to impact secondary protein structure as these residues share similar properties. However, this substitution occurs at a position that is conserved across species, in silico analysis predicts this variant is probably damaging to the protein structure/function, and a missense variants in a nearby residue (R250W) have been reported in the Human Gene Mutation Database in association with combined oxidative phosphorylation deficiency (Stenson et al., 2014), supporting the functional importance of this region of the protein. Furthermore, a splice prediction model predicts that the c.776 A>G nucleotide substitution, responsible for N259S, creates a cryptic donor site which may supplant the natural donor site and lead to abnormal gene splicing. However, in the absence of RNA/functional studies, the actual effect of the c.776 A>G sequence change in this individual is unknown. Therefore, the N259S (c.776 A>G) variant is a strong candidate for a pathogenic variant, however the possibility that it is a benign variant cannot be excluded.

NM_024996.7(GFM1):c.776A>G (p.Asn259Ser)

Gene: GFM1 (G elongation factor mitochondrial 1; plus strand). Cytogenetic location: 3q25.32.
Variant type: single nucleotide variant.
Coding change: c.776A>G on transcript NM_024996.7 (MANE Select); coding-DNA position 776, A replaced by G.
Protein change: p.Asn259Ser; replaces asparagine 259 with serine.
Molecular consequence: missense variant. On other transcripts: non-coding transcript variant (4).
Genome position (GRCh38, 1-based): chr3:158,652,182, A>G. VCF-style: chr3-158652182-A-G. GRCh37 (hg19) VCF-style: chr3-158369971-A-G.
Other names: c.833A>G, p.Asn278Ser (NM_001308164.2, NM_001374355.1); c.776A>G, p.Asn259Ser (NM_001308166.2); c.659A>G, p.Asn220Ser (NM_001374356.1); c.551A>G, p.Asn184Ser (NM_001374357.1); c.317A>G, p.Asn106Ser (NM_001374358.1); c.209A>G, p.Asn70Ser (NM_001374359.1, NM_001374360.1); c.92A>G, p.Asn31Ser (NM_001374361.1); short protein forms N259S, N278S, N106S, N184S, N220S, N31S, N70S.
Identifiers: ClinVar variation 427199 (VCV000427199.9), dbSNP rs375512235, ClinGen allele CA2682419.
Genomic context (GRCh38, chr3:158,652,182, plus strand): 5'-CAGCTGAATTAAGGGCGGCGGCCACTGACCACCGGCAGGAGCTAATTGAATGTGTTGCCA[A>G]TTCAGATGAACAGCTTGGTGAGATGTTTCTGGAAGAAAAAATCCCCTCGATTTCTGATTT-3'
Protein context (NP_079272.4, residues 249-269): HRQELIECVA[Asn259Ser]SDEQLGEMFL